The following is an entry in ClinVar:

NM_024675.4(PALB2):c.1135A>T (p.Lys379Ter)

Gene: PALB2 (partner and localizer of BRCA2; minus strand). Cytogenetic location: 16p12.2.
Variant type: single nucleotide variant.
Coding change: c.1135A>T on transcript NM_024675.4 (MANE Select); coding-DNA position 1135, A replaced by T.
Protein change: p.Lys379Ter; replaces lysine 379 with a stop codon.
Molecular consequence: nonsense. On other transcripts: intron variant (3).
Genome position (GRCh38, 1-based): chr16:23,635,411, T>A on the plus strand (A>T on the coding strand, the complement: PALB2 is on the minus strand). VCF-style: chr16-23635411-T-A. GRCh37 (hg19) VCF-style: chr16-23646732-T-A.
Other names: c.1075A>T, p.Lys359Ter (NM_001407296.1); c.1135A>T, p.Lys379Ter (NM_001407297.1, NM_001407298.1, NM_001407299.1 and 3 more transcripts); c.250A>T, p.Lys84Ter (NM_001407304.1, NM_001407305.1, NM_001407306.1 and 5 more transcripts); c.48+5699A>T (NM_001407314.1); c.-104-4942A>T (NM_001407313.1, NM_001407312.1); short protein forms K359*, K379*, K84*.
Identifiers: ClinVar variation 2579933 (VCV002579933.2), dbSNP rs2142424902, ClinGen allele CA395133619.

ClinVar aggregate classification (germline): Pathogenic. Review status: criteria provided, multiple submitters, no conflicts (2 of 4 stars). 2 submissions from 2 submitters: Pathogenic (2). Last evaluated 2025-04-10.

Conditions:
Familial cancer of breast. Also called: Hereditary breast cancer; BREAST CANCER, FAMILIAL; hereditary breast carcinoma. Identifiers: Orphanet 227535, MedGen C0346153, MONDO:0016419, OMIM 114480. Disease mechanism: loss of function.

Submissions (2):

Labcorp Genetics (formerly Invitae), Labcorp
Classification: Pathogenic for Familial cancer of breast. Last evaluated: 2025-04-10. Review status: criteria provided, single submitter. Criteria: Invitae Variant Classification Sherloc (09022015). Collection method: clinical testing. Allele origin: germline.
Comment: This sequence change creates a premature translational stop signal (p.Lys379*) in the PALB2 gene. It is expected to result in an absent or disrupted protein product. Loss-of-function variants in PALB2 are known to be pathogenic (PMID: 17200668, 17200671, 17200672, 24136930, 25099575). This variant is not present in population databases (gnomAD no frequency). This premature translational stop signal has been observed in individual(s) with hereditary breast and ovarian cancer (PMID: 27779110, 30303537). ClinVar contains an entry for this variant (Variation ID: 2579933). For these reasons, this variant has been classified as Pathogenic.

GeneDx
Classification: Pathogenic. Last evaluated: 2023-03-23. Review status: criteria provided, single submitter. Criteria: GeneDx Variant Classification Process June 2021. Collection method: clinical testing. Allele origin: germline. Affected: yes.
Comment: Nonsense variant predicted to result in protein truncation or nonsense mediated decay in a gene for which loss of function is a known mechanism of disease; Not observed at significant frequency in large population cohorts (gnomAD); This variant is associated with the following publications: (PMID: 30303537)

Literature cited by the submitters: PubMed 17200668 (cited by Labcorp Genetics (formerly Invitae), Labcorp); PubMed 17200671 (cited by Labcorp Genetics (formerly Invitae), Labcorp); PubMed 17200672 (cited by Labcorp Genetics (formerly Invitae), Labcorp); PubMed 24136930 (cited by Labcorp Genetics (formerly Invitae), Labcorp); PubMed 25099575 (cited by Labcorp Genetics (formerly Invitae), Labcorp); PubMed 27779110 (cited by Labcorp Genetics (formerly Invitae), Labcorp); PubMed 30303537 (cited by Labcorp Genetics (formerly Invitae), Labcorp).